The following is an entry in ClinVar:

ClinVar aggregate classification (germline): Uncertain significance (1 of 4 stars; one submission).

Conditions:
Perlman syndrome (PRLMNS). Identifiers: Orphanet 2849, MedGen C0796113, MONDO:0009965, OMIM 267000.

Allele frequency attached by ClinVar (database versions not stated): gnomAD exomes below 0.00001.
gnomAD v4.1: 1 of 1,550,758 alleles (0.000064%); highest among the groups gnomAD compares: Non-Finnish European, 0.000087%; no homozygotes.

Submission:

Labcorp Genetics (formerly Invitae), Labcorp
Classification: Uncertain significance for Perlman syndrome. Last evaluated: 2023-09-12. Review status: criteria provided, single submitter. Criteria: Invitae Variant Classification Sherloc (09022015). Collection method: clinical testing. Allele origin: germline.
Comment: This sequence change replaces valine, which is neutral and non-polar, with methionine, which is neutral and non-polar, at codon 810 of the DIS3L2 protein (p.Val810Met). This variant is not present in population databases (gnomAD no frequency). This variant has not been reported in the literature in individuals affected with DIS3L2-related conditions. ClinVar contains an entry for this variant (Variation ID: 531933). Advanced modeling of protein sequence and biophysical properties (such as structural, functional, and spatial information, amino acid conservation, physicochemical variation, residue mobility, and thermodynamic stability) performed at Invitae indicates that this missense variant is not expected to disrupt DIS3L2 protein function. In summary, the available evidence is currently insufficient to determine the role of this variant in disease. Therefore, it has been classified as a Variant of Uncertain Significance.

NM_152383.5(DIS3L2):c.2428G>A (p.Val810Met)

Gene: DIS3L2 (DIS3 like 3'-5' exoribonuclease 2; plus strand). Cytogenetic location: 2q37.1.
Variant type: single nucleotide variant.
Coding change: c.2428G>A on transcript NM_152383.5 (MANE Select); coding-DNA position 2428, G replaced by A.
Protein change: p.Val810Met; replaces valine 810 with methionine.
Molecular consequence: missense variant. On other transcripts: non-coding transcript variant (2), intron variant (1).
Genome position (GRCh38, 1-based): chr2:232,335,806, G>A. VCF-style: chr2-232335806-G-A. GRCh37 (hg19) VCF-style: chr2-233200516-G-A.
Other names: c.1582-7539G>A (NM_001257281.2); short protein forms V810M.
Identifiers: ClinVar variation 531933 (VCV000531933.8), dbSNP rs1553552092, ClinGen allele CA350978205.